The following is an entry in ClinVar:

ClinVar aggregate classification (germline): Uncertain significance (1 of 4 stars; one submission).

Conditions:
Hereditary pheochromocytoma and paraganglioma. Also called: Hereditary pheochromocytoma-paraganglioma; Hereditary Paraganglioma-Pheochromocytoma Syndromes; Hereditary paragangliomas and pheochromocytomas. Identifiers: Orphanet 29072, MedGen C4274332, MONDO:0017366.

Submission:

Labcorp Genetics (formerly Invitae), Labcorp
Classification: Uncertain significance for Hereditary pheochromocytoma and paraganglioma. Last evaluated: 2025-03-19. Review status: criteria provided, single submitter. Criteria: Invitae Variant Classification Sherloc (09022015). Collection method: clinical testing. Allele origin: germline.
Comment: This sequence change replaces arginine, which is basic and polar, with threonine, which is neutral and polar, at codon 75 of the SDHAF2 protein (p.Arg75Thr). This variant is not present in population databases (gnomAD no frequency). This variant has not been reported in the literature in individuals affected with SDHAF2-related conditions. An algorithm developed to predict the effect of missense changes on protein structure and function (PolyPhen-2) suggests that this variant is likely to be disruptive. In summary, the available evidence is currently insufficient to determine the role of this variant in disease. Therefore, it has been classified as a Variant of Uncertain Significance.

NM_017841.4(SDHAF2):c.224G>C (p.Arg75Thr)

Gene: SDHAF2 (succinate dehydrogenase complex assembly factor 2; plus strand). Cytogenetic location: 11q12.2.
Variant type: single nucleotide variant.
Coding change: c.224G>C on transcript NM_017841.4 (MANE Select); coding-DNA position 224, G replaced by C.
Protein change: p.Arg75Thr; replaces arginine 75 with threonine.
Molecular consequence: missense variant.
Genome position (GRCh38, 1-based): chr11:61,437,812, G>C. VCF-style: chr11-61437812-G-C. GRCh37 (hg19) VCF-style: chr11-61205284-G-C.
Other names: short protein forms R75T.
Identifiers: ClinVar variation 4707326 (VCV004707326.1).